The following is an entry in ClinVar:

NM_001098.3(ACO2):c.1996G>A (p.Gly666Ser)

Genes: ACO2 (aconitase 2; plus strand), POLR3H (RNA polymerase III subunit H; minus strand). Cytogenetic location: 22q13.2.
Variant type: single nucleotide variant.
Coding change: c.1996G>A on transcript NM_001098.3 (MANE Select); coding-DNA position 1996, G replaced by A.
Protein change: p.Gly666Ser; replaces glycine 666 with serine.
Molecular consequence: missense variant. On other transcripts: 3 prime UTR variant (5).
Genome position (GRCh38, 1-based): chr22:41,527,330, G>A. VCF-style: chr22-41527330-G-A. GRCh37 (hg19) VCF-style: chr22-41923334-G-A.
Other names: c.*1953C>T (NM_001018050.4, NM_001018052.4, NM_001282884.2 and 2 more transcripts); c.1996G>A (NM_001098.2); short protein forms G666S.
Identifiers: ClinVar variation 2776223 (VCV002776223.4), dbSNP rs1205084786, ClinGen allele CA411728881.
Genomic context (GRCh38, chr22:41,527,330, plus strand): 5'-CCCCCGCTTGCCTGACAGAAACATGGCATCAGGTGGGTGGTGATCGGAGACGAGAACTAC[G>A]GCGAGGGCTCGAGCCGGGAGCATGCAGCTCTGGAGCCTCGCCACCTTGGGGGCCGGGCCA-3'
Protein context (NP_001089.1, residues 656-676): RWVVIGDENY[Gly666Ser]EGSSREHAAL

ClinVar aggregate classification (germline): Uncertain significance. Review status: criteria provided, single submitter (1 of 4 stars). 2 submissions from 2 submitters: Uncertain significance (1). 1 of the submissions does not count toward it. Last evaluated 2024-11-13.

Conditions:
ACO2-related disorder. Also called: ACO2-Related Disorders.

gnomAD v4.1: 3 of 1,614,132 alleles (0.00019%); highest among the groups gnomAD compares: East Asian, 0.0022%; no homozygotes.

Submissions (2):

Labcorp Genetics (formerly Invitae), Labcorp
Classification: Uncertain significance. Last evaluated: 2024-11-13. Review status: criteria provided, single submitter. Criteria: Invitae Variant Classification Sherloc (09022015). Collection method: clinical testing. Allele origin: germline.
Comment: This sequence change replaces glycine, which is neutral and non-polar, with serine, which is neutral and polar, at codon 666 of the ACO2 protein (p.Gly666Ser). This variant is present in population databases (no rsID available, gnomAD 0.006%). This variant has not been reported in the literature in individuals affected with ACO2-related conditions. ClinVar contains an entry for this variant (Variation ID: 2776223). Invitae Evidence Modeling of protein sequence and biophysical properties (such as structural, functional, and spatial information, amino acid conservation, physicochemical variation, residue mobility, and thermodynamic stability) indicates that this missense variant is expected to disrupt ACO2 protein function with a positive predictive value of 80%. In summary, the available evidence is currently insufficient to determine the role of this variant in disease. Therefore, it has been classified as a Variant of Uncertain Significance.

PreventionGenetics, part of Exact Sciences
Classification: Uncertain significance for ACO2-related condition. Last evaluated: 2024-06-26. Review status: no assertion criteria provided. Collection method: clinical testing. Allele origin: germline. Not counted in ClinVar's aggregate classification.
Comment: The ACO2 c.1996G>A variant is predicted to result in the amino acid substitution p.Gly666Ser. To our knowledge, this variant has not been reported in the literature. An alternate substitution of this amino acid residue (p.Gly666Ala) has been reported in the compound heterozygous state in individuals with cerebella atrophy (Fukada et al. 2019. PubMed ID: 31106992; Sakamoto et al. 2022. PubMed ID: 36305856). This variant is reported in 0.0054% of alleles in individuals of East Asian descent in gnomAD. Although we suspect that this variant may be pathogenic for autosomal recessive disease, at this time, the clinical significance of this variant is uncertain due to the absence of conclusive functional and genetic evidence.